The following is an entry in ClinVar:

ClinVar aggregate classification (germline): Pathogenic (1 of 4 stars; one submission).

Conditions:
Dihydropteridine reductase deficiency (HPABH4C). Also called: DHPR DEFICIENCY; Phenylketonuria II; Hyperphenylalaninemia due to dihydropteridine reductase deficiency; Hyperphenylalaninemia, BH-4-deficient, C; Phenylketonuria type 2; BH4-Deficient Hyperphenylalaninemia C. Identifiers: Orphanet 226, Orphanet 238583, MedGen C0268465, MONDO:0009862, OMIM 261630.

Submission:

Labcorp Genetics (formerly Invitae), Labcorp
Classification: Pathogenic for Dihydropteridine reductase deficiency. Last evaluated: 2025-06-19. Review status: criteria provided, single submitter. Criteria: Invitae Variant Classification Sherloc (09022015). Collection method: clinical testing. Allele origin: germline.
Comment: This sequence change replaces glycine, which is neutral and non-polar, with arginine, which is basic and polar, at codon 225 of the QDPR protein (p.Gly225Arg). This variant is not present in population databases (gnomAD no frequency). This missense change has been observed in individual(s) with tetrahydrobiopterin (BH4)-deficient hyperphenylalaninemia (PMID: 26006720, 27246466). An algorithm developed to predict the effect of missense changes on protein structure and function (PolyPhen-2) suggests that this variant is likely to be disruptive. For these reasons, this variant has been classified as Pathogenic.

Literature cited by the submitters: PubMed 26006720; PubMed 27246466.

NM_000320.3(QDPR):c.673G>A (p.Gly225Arg)

Gene: QDPR (quinoid dihydropteridine reductase; minus strand). Cytogenetic location: 4p15.32.
Variant type: single nucleotide variant.
Coding change: c.673G>A on transcript NM_000320.3 (MANE Select); coding-DNA position 673, G replaced by A.
Protein change: p.Gly225Arg; replaces glycine 225 with arginine.
Molecular consequence: missense variant. On other transcripts: non-coding transcript variant (1).
Genome position (GRCh38, 1-based): chr4:17,487,193, C>T on the plus strand (G>A on the coding strand, the complement: QDPR is on the minus strand). VCF-style: chr4-17487193-C-T. GRCh37 (hg19) VCF-style: chr4-17488816-C-T.
Other names: c.580G>A, p.Gly194Arg (NM_001306140.2); short protein forms G194R, G225R.
Identifiers: ClinVar variation 4747395 (VCV004747395.1).